The following is an entry in ClinVar:

NM_000396.4(CTSK):c.862_863insTGG (p.Lys287_Gly288insVal)

Gene: CTSK (cathepsin K; minus strand). Cytogenetic location: 1q21.3.
Variant type: Insertion.
Coding change: c.862_863insTGG on transcript NM_000396.4 (MANE Select); coding-DNA positions 862 to 863, TGG inserted.
Protein change: p.Lys287_Gly288insVal.
Molecular consequence: inframe insertion.
Genome position: GRCh38 VCF-style: chr1-150799195-C-CCCA. GRCh37 (hg19) VCF-style: chr1-150771671-C-CCCA.
Identifiers: ClinVar variation 1966735 (VCV001966735.5), dbSNP rs1369616364, ClinGen allele CA889280469.

ClinVar aggregate classification (germline): Uncertain significance. Review status: criteria provided, multiple submitters, no conflicts (2 of 4 stars). 3 submissions from 3 submitters: Uncertain significance (3). Last evaluated 2026-02-02.

Conditions:
Pyknodysostosis. Also called: Pycnodysostosis. Identifiers: Orphanet 763, MedGen C0238402, MONDO:0009940, OMIM 265800.

Submissions (3):

Dasa
Classification: Uncertain significance for pycnodysostosis. Last evaluated: 2026-02-02. Review status: criteria provided, single submitter. Criteria: DASA Assertion Criteria. Collection method: clinical testing. Allele origin: germline.
Comment: NM_000396.4(CTSK):c.862_863insTGG (p.Lys287_Gly288insVal) is an in-frame insertion/deletion-insertion predicted to alter the protein sequence without shifting the reading frame. This variant has been observed in affected individuals with CTSK-related disorders. Also, this variant is rare in population databases. The currently available literature and clinical evidence are not sufficient to establish a definitive association between this variant and the reported condition. Therefore, this variant is classified as a variant of uncertain significance.

Laboratorio de Genetica e Diagnostico Molecular, Hospital Israelita Albert Einstein
Classification: Uncertain significance for Pyknodysostosis. Last evaluated: 2026-01-29. Review status: criteria provided, single submitter. Criteria: ACMG Guidelines, 2015. Collection method: clinical testing. Allele origin: germline. Affected: yes.
Comment: ACMG classification criteria: PM2 supporting, PM4 supporting

Labcorp Genetics (formerly Invitae), Labcorp
Classification: Uncertain significance. Last evaluated: 2022-03-22. Review status: criteria provided, single submitter. Criteria: Invitae Variant Classification Sherloc (09022015). Collection method: clinical testing. Allele origin: germline.
Comment: This variant, c.862_863insTGG, results in the insertion of 1 amino acid(s) of the CTSK protein (p.Lys287_Gly288insVal), but otherwise preserves the integrity of the reading frame. This variant is not present in population databases (gnomAD no frequency). This variant has not been reported in the literature in individuals affected with CTSK-related conditions. Algorithms developed to predict the effect of sequence changes on RNA splicing suggest that this variant may create or strengthen a splice site. In summary, the available evidence is currently insufficient to determine the role of this variant in disease. Therefore, it has been classified as a Variant of Uncertain Significance.